The following is an entry in ClinVar:

NM_001083116.3(PRF1):c.742G>A (p.Gly248Arg)

Gene: PRF1 (perforin 1; minus strand). Cytogenetic location: 10q22.1.
Variant type: single nucleotide variant.
Coding change: c.742G>A on transcript NM_001083116.3 (MANE Select); coding-DNA position 742, G replaced by A.
Protein change: p.Gly248Arg; replaces glycine 248 with arginine.
Molecular consequence: missense variant.
Genome position (GRCh38, 1-based): chr10:70,598,979, C>T on the plus strand (G>A on the coding strand, the complement: PRF1 is on the minus strand). VCF-style: chr10-70598979-C-T. GRCh37 (hg19) VCF-style: chr10-72358735-C-T.
Other names: c.742G>A, p.Gly248Arg (NM_005041.6); short protein forms G248R.
Identifiers: ClinVar variation 937699 (VCV000937699.8), dbSNP rs764722375, ClinGen allele CA5538927.

ClinVar aggregate classification (germline): Uncertain significance. Review status: criteria provided, multiple submitters, no conflicts (2 of 4 stars). 2 submissions from 2 submitters: Uncertain significance (2). Last evaluated 2026-05-04.

Conditions:
Familial hemophagocytic lymphohistiocytosis 2 (FHL2). Also called: PRF1-Related Familial Hemophagocytic Lymphohistiocytosis (PRF1-fHLH). Identifiers: Orphanet 540, MedGen C1863727, MONDO:0011337, OMIM 603553.

Allele frequency attached by ClinVar (database versions not stated): gnomAD 0.00001; TOPMed 0.00001; ExAC 0.00002.

Submissions (2):

Myriad Genetics, Inc.
Classification: Uncertain significance for Familial hemophagocytic lymphohistiocytosis 2. Last evaluated: 2026-05-04. Review status: criteria provided, single submitter. Criteria: Myriad Autosomal Dominant, Autosomal Recessive and X-Linked Classification Criteria (2023). Collection method: clinical testing. Allele origin: unknown.
Comment: NM_001083116.1(PRF1):c.742G>A(G248R) is a missense variant classified as a variant of uncertain significance in the context of familial hemophagocytic lymphohistiocytosis, PRF1-related. G248R has been observed in a case with relevant disease (PMID: 29665027). Relevant functional assessments of this variant are not available in the literature. G248R has been observed in referenced population frequency databases. In summary, there is insufficient evidence to classify NM_001083116.1(PRF1):c.742G>A(G248R) as pathogenic or benign. Please note: this variant was assessed in the context of healthy population screening.

Labcorp Genetics (formerly Invitae), Labcorp
Classification: Uncertain significance for Familial hemophagocytic lymphohistiocytosis 2. Last evaluated: 2021-08-20. Review status: criteria provided, single submitter. Criteria: Invitae Variant Classification Sherloc (09022015). Collection method: clinical testing. Allele origin: germline.
Comment: This sequence change replaces glycine with arginine at codon 248 of the PRF1 protein (p.Gly248Arg). The glycine residue is highly conserved and there is a moderate physicochemical difference between glycine and arginine. This variant is present in population databases (rs764722375, ExAC 0.003%). This missense change has been observed in individual(s) with hemophagocytic lymphohistiocytosis (PMID: 29665027). Algorithms developed to predict the effect of missense changes on protein structure and function are either unavailable or do not agree on the potential impact of this missense change (SIFT: "Deleterious"; PolyPhen-2: "Probably Damaging"; Align-GVGD: "Class C0"). In summary, the available evidence is currently insufficient to determine the role of this variant in disease. Therefore, it has been classified as a Variant of Uncertain Significance.

Literature cited by the submitters: PubMed 29665027 (cited by Myriad Genetics, Inc. and Labcorp Genetics (formerly Invitae), Labcorp).